The following is an entry in ClinVar:

ClinVar aggregate classification (germline): Uncertain significance (1 of 4 stars; one submission).

gnomAD v4.1: 2 of 1,613,908 alleles (0.00012%); highest among the groups gnomAD compares: Admixed American, 0.0033%; no homozygotes.

Submission:

Labcorp Genetics (formerly Invitae), Labcorp
Classification: Uncertain significance. Last evaluated: 2022-06-18. Review status: criteria provided, single submitter. Criteria: Invitae Variant Classification Sherloc (09022015). Collection method: clinical testing. Allele origin: germline.
Comment: This sequence change replaces aspartic acid, which is acidic and polar, with valine, which is neutral and non-polar, at codon 1010 of the PCDH15 protein (p.Asp1010Val). This variant is present in population databases (rs776416750, gnomAD 0.006%). This variant has not been reported in the literature in individuals affected with PCDH15-related conditions. Algorithms developed to predict the effect of missense changes on protein structure and function are either unavailable or do not agree on the potential impact of this missense change (SIFT: "Deleterious"; PolyPhen-2: "Probably Damaging"; Align-GVGD: "Class C0"). In summary, the available evidence is currently insufficient to determine the role of this variant in disease. Therefore, it has been classified as a Variant of Uncertain Significance.

NM_001384140.1(PCDH15):c.3029A>T (p.Asp1010Val)

Gene: PCDH15 (protocadherin related 15; minus strand). Cytogenetic location: 10q21.1.
Variant type: single nucleotide variant.
Coding change: c.3029A>T on transcript NM_001384140.1 (MANE Select); coding-DNA position 3029, A replaced by T.
Protein change: p.Asp1010Val; replaces aspartic acid 1010 with valine.
Molecular consequence: missense variant.
Genome position (GRCh38, 1-based): chr10:53,959,825, T>A on the plus strand (A>T on the coding strand, the complement: PCDH15 is on the minus strand). VCF-style: chr10-53959825-T-A. GRCh37 (hg19) VCF-style: chr10-55719585-T-A.
Other names: c.3029A>T, p.Asp1010Val (NM_001354420.2, NM_001354429.2, NM_033056.4 and 4 more transcripts); c.3044A>T, p.Asp1015Val (NM_001142763.2, NM_001142771.2); c.2816A>T, p.Asp939Val (NM_001142765.2); c.2918A>T, p.Asp973Val (NM_001142767.2); c.2963A>T, p.Asp988Val (NM_001142768.2, NM_001142773.2, NM_001354404.2); c.3065A>T, p.Asp1022Val (NM_001142769.4); c.3050A>T, p.Asp1017Val (NM_001354411.2); short protein forms D1022V, D973V, D1015V, D1010V, D939V, D988V, D1017V.
Identifiers: ClinVar variation 2008036 (VCV002008036.1), dbSNP rs776416750, ClinGen allele CA5505821.